The following is an entry in ClinVar:

NM_000112.4(SLC26A2):c.294G>A (p.Trp98Ter)

Gene: SLC26A2 (solute carrier family 26 member 2; plus strand). Cytogenetic location: 5q32.
Variant type: single nucleotide variant.
Coding change: c.294G>A on transcript NM_000112.4 (MANE Select); coding-DNA position 294, G replaced by A.
Protein change: p.Trp98Ter; replaces tryptophan 98 with a stop codon.
Molecular consequence: nonsense.
Genome position (GRCh38, 1-based): chr5:149,977,946, G>A. VCF-style: chr5-149977946-G-A. GRCh37 (hg19) VCF-style: chr5-149357509-G-A.
Other names: short protein forms W98*.
Identifiers: ClinVar variation 2678884 (VCV002678884.4), dbSNP rs772015926, ClinGen allele CA3505230.

ClinVar aggregate classification (germline): Pathogenic/Likely pathogenic. Review status: criteria provided, multiple submitters, no conflicts (2 of 4 stars). 2 submissions from 2 submitters: Pathogenic (1); Likely pathogenic (1). Last evaluated 2025-05-18.

Conditions:
Achondrogenesis, type IB (ACG1B). Also called: Achondrogenesis Type 1B. Identifiers: Orphanet 932, Orphanet 93298, MedGen C0265274, MONDO:0010966, OMIM 600972.
Diastrophic dysplasia (DTD). Also called: Diastrophic dwarfism. Identifiers: Orphanet 628, MedGen C0220726, MONDO:0009107, OMIM 222600.
Multiple epiphyseal dysplasia type 4 (EDM4). Also called: Multiple Epiphyseal Dysplasia, Recessive; MULTIPLE EPIPHYSEAL DYSPLASIA WITH BILAYERED PATELLAE; MULTIPLE EPIPHYSEAL DYSPLASIA WITH CLUBFOOT; MULTIPLE EPIPHYSEAL DYSPLASIA, AUTOSOMAL RECESSIVE; SLC26A2-Related Multiple Epiphyseal Dysplasia. Identifiers: Orphanet 93307, MedGen C1847593, MONDO:0009189, OMIM 226900.
Atelosteogenesis type II (AO2). Also called: NEONATAL OSSEOUS DYSPLASIA I; Neonatal osseous dysplasia 1; SLC26A2-Related Atelosteogenesis. Identifiers: Orphanet 56304, MedGen C1850554, MONDO:0009727, OMIM 256050.

Allele frequency attached by ClinVar (database versions not stated): ExAC 0.00001; gnomAD 0.00001; gnomAD exomes 0.00002.

Submissions (2):

Labcorp Genetics (formerly Invitae), Labcorp
Classification: Pathogenic for Atelosteogenesis type II; Multiple epiphyseal dysplasia type 4; Achondrogenesis, type IB; Diastrophic dysplasia. Last evaluated: 2025-05-18. Review status: criteria provided, single submitter. Criteria: Invitae Variant Classification Sherloc (09022015). Collection method: clinical testing. Allele origin: germline.
Comment: This sequence change creates a premature translational stop signal (p.Trp98*) in the SLC26A2 gene. It is expected to result in an absent or disrupted protein product. Loss-of-function variants in SLC26A2 are known to be pathogenic (PMID: 7923357, 10482955, 11241838). This variant is present in population databases (rs772015926, gnomAD 0.0009%). This variant has not been reported in the literature in individuals affected with SLC26A2-related conditions. ClinVar contains an entry for this variant (Variation ID: 2678884). For these reasons, this variant has been classified as Pathogenic.

Baylor Genetics
Classification: Likely pathogenic for Achondrogenesis, type IB. Last evaluated: 2023-07-24. Review status: criteria provided, single submitter. Criteria: ACMG Guidelines, 2015. Collection method: clinical testing. Allele origin: unknown.

Literature cited by the submitters: PubMed 7923357 (cited by Labcorp Genetics (formerly Invitae), Labcorp); PubMed 10482955 (cited by Labcorp Genetics (formerly Invitae), Labcorp); PubMed 11241838 (cited by Labcorp Genetics (formerly Invitae), Labcorp).